The following is an entry in ClinVar:

ClinVar aggregate classification (germline): Likely benign (0 of 4 stars; one submission).

Conditions:
TTC8-related disorder. Also called: TTC8-related condition.

gnomAD v4.1: 4 of 1,408,188 alleles (0.00028%); highest among the groups gnomAD compares: African/African-American, 0.0057%; no homozygotes.

Submission:

PreventionGenetics, part of Exact Sciences
Classification: Likely benign for TTC8-related condition. Last evaluated: 2023-05-31. Review status: no assertion criteria provided. Collection method: clinical testing. Allele origin: germline.
Comment: This variant is classified as likely benign based on ACMG/AMP sequence variant interpretation guidelines (Richards et al. 2015 PMID: 25741868, with internal and published modifications).

NM_144596.4(TTC8):c.579+47T>C

Gene: TTC8 (tetratricopeptide repeat domain 8; plus strand). Cytogenetic location: 14q31.3.
Variant type: single nucleotide variant.
Coding change: c.579+47T>C on transcript NM_144596.4 (MANE Select); 47 bases into the intron after coding-DNA position 579, T replaced by C.
Molecular consequence: intron variant.
Genome position (GRCh38, 1-based): chr14:88,841,561, T>C. VCF-style: chr14-88841561-T-C. GRCh37 (hg19) VCF-style: chr14-89307905-T-C.
Other names: c.30+4T>C (NM_001288782.1); c.549+47T>C (NM_001288781.1, NM_198309.3, NM_001366535.2); c.-199+365T>C (NM_001288783.1); c.459+365T>C (NM_198310.3, NM_001366536.2).
Identifiers: ClinVar variation 3358599 (VCV003358599.1).